The following is an entry in ClinVar:

NM_181840.1(KCNK18):c.51G>A (p.Leu17=)

Gene: KCNK18 (potassium two pore domain channel subfamily K member 18; plus strand). Cytogenetic location: 10q25.3.
Variant type: single nucleotide variant.
Coding change: c.51G>A on transcript NM_181840.1 (MANE Select); coding-DNA position 51, G replaced by A.
Protein change: p.Leu17=; no amino-acid change (leucine 17 retained).
Molecular consequence: synonymous variant.
Genome position (GRCh38, 1-based): chr10:117,197,539, G>A. VCF-style: chr10-117197539-G-A. GRCh37 (hg19) VCF-style: chr10-118957050-G-A.
Identifiers: ClinVar variation 2063627 (VCV002063627.6), dbSNP rs149451689, ClinGen allele CA5709864.
Genomic context (GRCh38, chr10:117,197,539, plus strand): 5'-TTCAGGGACGATGGAGGTCTCGGGGCACCCCCAGGCCAGGAGATGCTGCCCAGAGGCCCT[G>A]GGAAAGCTCTTCCCTGGCCTCTGCTTCCTCTGCTTTCTGGTGACCTACGCCCTGGTGGGT-3'
Protein context (NP_862823.1, residues 7-27): PQARRCCPEA[Leu17=]GKLFPGLCFL

ClinVar aggregate classification (germline): Benign/Likely benign. Review status: criteria provided, multiple submitters, no conflicts (2 of 4 stars). 3 submissions from 3 submitters: Benign (2); Likely benign (1). Last evaluated 2025-12-29.

Conditions:
KCNK18-related disorder. Also called: KCNK18-related condition.

Allele frequency attached by ClinVar (database versions not stated): ExAC 0.00063; ESP Exome Variant Server 0.00154; gnomAD 0.00157; TOPMed 0.00173; 1000 Genomes Project 0.00300; 1000 Genomes Project 30x 0.00328.
gnomAD v4.1: 451 of 1,614,150 alleles (0.028%); highest among the groups gnomAD compares: African/African-American, 0.47%; 2 homozygotes.

Submissions (3):

Labcorp Genetics (formerly Invitae), Labcorp
Classification: Benign. Last evaluated: 2025-12-29. Review status: criteria provided, single submitter. Criteria: Invitae Variant Classification Sherloc (09022015). Collection method: clinical testing. Allele origin: germline.

PreventionGenetics, part of Exact Sciences
Classification: Likely benign for KCNK18-related condition. Last evaluated: 2025-08-09. Review status: criteria provided, single submitter. Criteria: ACMG Guidelines, 2015. Collection method: clinical testing. Allele origin: germline.
Comment: This variant is classified as likely benign based on ACMG/AMP sequence variant interpretation guidelines (Richards et al. 2015 PMID: 25741868, with internal and published modifications).

Breakthrough Genomics
Classification: Benign. Review status: criteria provided, single submitter. Criteria: ACMG Guidelines, 2015. Collection method: not provided. Allele origin: germline. Inheritance: Autosomal dominant inheritance. Affected: yes.